The following is an entry in ClinVar:

ClinVar aggregate classification (germline): Benign/Likely benign. Review status: criteria provided, multiple submitters, no conflicts (2 of 4 stars). 4 submissions from 4 submitters: Benign (1); Likely benign (2). 1 of the submissions does not count toward it. Last evaluated 2025-10-15.

Conditions:
EP300-related disorder. Also called: EP300-related condition; EP300-related disorders.
Rubinstein-Taybi syndrome due to EP300 haploinsufficiency. Also called: EP300-Related Rubinstein-Taybi Syndrome; RUBINSTEIN-TAYBI SYNDROME 2. Identifiers: Orphanet 353284, Orphanet 783, MedGen C3150941, MONDO:0013364, OMIM 613684.

Allele frequency attached by ClinVar (database versions not stated): gnomAD exomes 0.00001 and 0.00003; ExAC 0.00006; gnomAD 0.00013 and 0.00014; ESP Exome Variant Server 0.00015; TOPMed 0.00015; 1000 Genomes Project 30x 0.00016; 1000 Genomes Project 0.00020.
gnomAD v4.1: 37 of 1,614,128 alleles (0.0023%); highest among the groups gnomAD compares: African/African-American, 0.041%; no homozygotes.

Submissions (4):

Labcorp Genetics (formerly Invitae), Labcorp
Classification: Benign for Rubinstein-Taybi syndrome due to EP300 haploinsufficiency. Last evaluated: 2025-10-15. Review status: criteria provided, single submitter. Criteria: Invitae Variant Classification Sherloc (09022015). Collection method: clinical testing. Allele origin: germline.

Blueprint Genetics
Classification: Likely benign. Last evaluated: 2022-06-30. Review status: criteria provided, single submitter. Criteria: ACMG Guidelines, 2015. Collection method: clinical testing. Allele origin: germline.

GeneDx
Classification: Likely benign. Last evaluated: 2020-12-22. Review status: criteria provided, single submitter. Criteria: GeneDx Variant Classification Process June 2021. Collection method: clinical testing. Allele origin: germline. Affected: yes.

PreventionGenetics, part of Exact Sciences
Classification: Likely benign for EP300-related condition. Last evaluated: 2021-10-29. Review status: no assertion criteria provided. Collection method: clinical testing. Allele origin: germline. Not counted in ClinVar's aggregate classification.
Comment: This variant is classified as likely benign based on ACMG/AMP sequence variant interpretation guidelines (Richards et al. 2015 PMID: 25741868, with internal and published modifications).

NM_001429.4(EP300):c.2916T>C (p.Pro972=)

Genes: EP300 (EP300 lysine acetyltransferase; plus strand), LOC126863158 (BRD4-independent group 4 enhancer GRCh37_chr22:41547383-41548582; plus strand). Cytogenetic location: 22q13.2.
Variant type: single nucleotide variant.
Coding change: c.2916T>C on transcript NM_001429.4 (MANE Select); coding-DNA position 2916, T replaced by C.
Protein change: p.Pro972=; no amino-acid change (proline 972 retained).
Molecular consequence: synonymous variant.
Genome position (GRCh38, 1-based): chr22:41,151,931, T>C. VCF-style: chr22-41151931-T-C. GRCh37 (hg19) VCF-style: chr22-41547935-T-C.
Other names: c.2838T>C, p.Pro946= (NM_001362843.2).
Identifiers: ClinVar variation 1206852 (VCV001206852.11), dbSNP rs142769483, ClinGen allele CA10252992.